The following is an entry in ClinVar:

NM_000138.5(FBN1):c.7361C>T (p.Pro2454Leu)

Gene: FBN1 (fibrillin 1; minus strand). Cytogenetic location: 15q21.1.
Variant type: single nucleotide variant.
Coding change: c.7361C>T on transcript NM_000138.5 (MANE Select); coding-DNA position 7361, C replaced by T.
Protein change: p.Pro2454Leu; replaces proline 2454 with leucine.
Molecular consequence: missense variant.
Genome position (GRCh38, 1-based): chr15:48,425,461, G>A on the plus strand (C>T on the coding strand, the complement: FBN1 is on the minus strand). VCF-style: chr15-48425461-G-A. GRCh37 (hg19) VCF-style: chr15-48717658-G-A.
Other names: short protein forms P2454L.
Identifiers: ClinVar variation 527155 (VCV000527155.8), dbSNP rs1555394410, ClinGen allele CA392327961.
Genomic context (GRCh38, chr15:48,425,461, plus strand): 5'-TAGCCTTTCGGGCATGAACACTGGTAACTCCCTTCTGTGTTTTTGCAGATAAAATTGCAG[G>A]GTTTGGGAGCCTGGTTGCACTCGTTCAGATCTATGATCAAAGAAATACAGCGTGACTGTG-3'
Protein context (NP_000129.3, residues 2444-2464): DLNECNQAPK[Pro2454Leu]CNFICKNTEG

ClinVar aggregate classification (germline): Uncertain significance (1 of 4 stars; one submission).

Conditions:
Familial thoracic aortic aneurysm and aortic dissection (TAAD). Also called: Thoracic aortic aneurysms and dissections. Identifiers: Orphanet 91387, MedGen C4707243, MONDO:0019625.
Marfan syndrome (MFS). Also called: Marfan syndrome type 1; Marfan syndrome, classic; Marfan's syndrome; FBN1-Related Marfan Syndrome; MARFAN SYNDROME, TYPE I. Identifiers: Orphanet 284963, Orphanet 558, MedGen C0024796, MONDO:0007947, OMIM 154700.

Allele frequency attached by ClinVar (database versions not stated): gnomAD 0.00001; TOPMed below 0.00001.
gnomAD v4.1: 1 of 1,614,018 alleles (0.000062%); highest among the groups gnomAD compares: Admixed American, 0.0017%; no homozygotes.

Submission:

Labcorp Genetics (formerly Invitae), Labcorp
Classification: Uncertain significance for Marfan syndrome; Familial thoracic aortic aneurysm and aortic dissection. Last evaluated: 2024-04-03. Review status: criteria provided, single submitter. Criteria: Invitae Variant Classification Sherloc (09022015). Collection method: clinical testing. Allele origin: germline.
Comment: This sequence change replaces proline, which is neutral and non-polar, with leucine, which is neutral and non-polar, at codon 2454 of the FBN1 protein (p.Pro2454Leu). This variant is not present in population databases (gnomAD no frequency). This variant has not been reported in the literature in individuals affected with FBN1-related conditions. ClinVar contains an entry for this variant (Variation ID: 527155). Advanced modeling of protein sequence and biophysical properties (such as structural, functional, and spatial information, amino acid conservation, physicochemical variation, residue mobility, and thermodynamic stability) has been performed at Invitae for this missense variant, however the output from this modeling did not meet the statistical confidence thresholds required to predict the impact of this variant on FBN1 protein function. In summary, the available evidence is currently insufficient to determine the role of this variant in disease. Therefore, it has been classified as a Variant of Uncertain Significance.